The following is an entry in ClinVar:

ClinVar aggregate classification (germline): Uncertain significance (1 of 4 stars; one submission).

Conditions:
Norman-Roberts syndrome (LIS2). Also called: Lissencephaly 2 (Norman-Roberts type). Identifiers: Orphanet 89844, MedGen C0796089, MONDO:0009760, OMIM 257320.
Familial temporal lobe epilepsy 7. Identifiers: Orphanet 101046, MedGen C4225327, MONDO:0014639, OMIM 616436.

Submission:

Labcorp Genetics (formerly Invitae), Labcorp
Classification: Uncertain significance for Familial temporal lobe epilepsy 7; Norman-Roberts syndrome. Last evaluated: 2023-11-22. Review status: criteria provided, single submitter. Criteria: Invitae Variant Classification Sherloc (09022015). Collection method: clinical testing. Allele origin: germline.
Comment: This sequence change replaces leucine, which is neutral and non-polar, with phenylalanine, which is neutral and non-polar, at codon 3008 of the RELN protein (p.Leu3008Phe). This variant is not present in population databases (gnomAD no frequency). This variant has not been reported in the literature in individuals affected with RELN-related conditions. ClinVar contains an entry for this variant (Variation ID: 1468143). Advanced modeling of protein sequence and biophysical properties (such as structural, functional, and spatial information, amino acid conservation, physicochemical variation, residue mobility, and thermodynamic stability) has been performed at Invitae for this missense variant, however the output from this modeling did not meet the statistical confidence thresholds required to predict the impact of this variant on RELN protein function. In summary, the available evidence is currently insufficient to determine the role of this variant in disease. Therefore, it has been classified as a Variant of Uncertain Significance.

NM_005045.4(RELN):c.9022C>T (p.Leu3008Phe)

Genes: RELN (reelin; minus strand), SLC26A5-AS1 (SLC26A5 antisense RNA 1; plus strand). Cytogenetic location: 7q22.1.
Variant type: single nucleotide variant.
Coding change: c.9022C>T on transcript NM_005045.4 (MANE Select); coding-DNA position 9022, C replaced by T.
Protein change: p.Leu3008Phe; replaces leucine 3008 with phenylalanine.
Molecular consequence: missense variant.
Genome position (GRCh38, 1-based): chr7:103,496,697, G>A on the plus strand (C>T on the coding strand, the complement: RELN is on the minus strand). VCF-style: chr7-103496697-G-A. GRCh37 (hg19) VCF-style: chr7-103137144-G-A.
Other names: c.9022C>T, p.Leu3008Phe (NM_173054.3); short protein forms L3008F.
Identifiers: ClinVar variation 1468143 (VCV001468143.8), dbSNP rs2117021193, ClinGen allele CA368751610.